The following is an entry in ClinVar:

ClinVar aggregate classification (germline): Pathogenic (1 of 4 stars; one submission).

Conditions:
Familial cancer of breast. Also called: hereditary breast carcinoma; BREAST CANCER, FAMILIAL; Hereditary breast cancer. Identifiers: Orphanet 227535, MedGen C0346153, MONDO:0016419, OMIM 114480. Disease mechanism: loss of function.
Fanconi anemia complementation group J. Also called: BRIP1-Related Fanconi Anemia. Identifiers: Orphanet 84, MedGen C1836860, MONDO:0012187, OMIM 609054.

Submission:

Labcorp Genetics (formerly Invitae), Labcorp
Classification: Pathogenic for Familial cancer of breast; Fanconi anemia, complementation group J. Last evaluated: 2018-03-22. Review status: criteria provided, single submitter. Criteria: Invitae Variant Classification Sherloc (09022015). Collection method: clinical testing. Allele origin: germline.
Comment: This variant is a gross deletion of the genomic region encompassing exon 20 of the BRIP1 gene. The 5' boundary is likely confined to intron 19. The 3' end of this event is unknown as it extends through the termination codon beyond the assayed region for this gene and may encompass additional genes. While this deletion is not anticipated to result in nonsense mediated decay, it is expected to create a truncated protein product or disrupt mRNA translation. Deletion of exon 20 has not been reported in the literature in individuals with BRIP1-related disease. This truncation affects the TopBP1-binding region (residues 1130-1153), the BCRA1 interacting region (residues 888-1063) including the phospho-S-X-X-F motif (residues 990-993) of the BRIP1 protein. The TopBP1-BRIP1 interaction plays a critical role on RPA chromatin loading following DNA replication stress and the subsequent activation of the replication checkpoint in response to DNA damage (PMID: 20159562, 21127055). The BRCA1 interacting region and phospho-S-X-X-F motif are required for BRCA1 binding (PMID: 21345144, 19099189, 11301010, 14576433). A truncating variant (p.Lys998Glufs*60) that lies downstream of this deletion has been determined to be pathogenic (PMID: 18628483, 26921362). This suggests that deletion of this region of the BRIP1 protein is causative of disease. For these reasons, this variant has been classified as Pathogenic.

Literature cited by the submitters: PubMed 14576433; PubMed 18628483; PubMed 21127055; PubMed 11301010; PubMed 19099189; PubMed 21345144; PubMed 26921362; PubMed 20159562.

NC_000017.11:g.(?_61683290)_(61684146_?)del

Gene: BRIP1 (BRCA1 interacting DNA helicase 1; minus strand). Cytogenetic location: 17q23.2.
Variant type: Deletion.
Identifiers: ClinVar variation 583468 (VCV000583468.2).